The following is an entry in ClinVar:

ClinVar aggregate classification (germline): Pathogenic (1 of 4 stars; one submission).

Conditions:
Fanconi anemia (FA). Also called: Fanconi's anemia. Identifiers: Orphanet 84, MedGen C0015625, MeSH D005199, MONDO:0019391.

gnomAD v4.1: 1 of 1,614,028 alleles (0.000062%); highest among the groups gnomAD compares: South Asian, 0.0011%; no homozygotes.

Submission:

Labcorp Genetics (formerly Invitae), Labcorp
Classification: Pathogenic for Fanconi anemia. Last evaluated: 2024-02-23. Review status: criteria provided, single submitter. Criteria: Invitae Variant Classification Sherloc (09022015). Collection method: clinical testing. Allele origin: germline.
Comment: This sequence change creates a premature translational stop signal (p.Glu722*) in the FANCI gene. It is expected to result in an absent or disrupted protein product. Loss-of-function variants in FANCI are known to be pathogenic (PMID: 17452773, 17460694). This variant is not present in population databases (gnomAD no frequency). This variant has not been reported in the literature in individuals affected with FANCI-related conditions. For these reasons, this variant has been classified as Pathogenic.

Literature cited by the submitters: PubMed 17452773; PubMed 17460694.

NM_001113378.2(FANCI):c.2164G>T (p.Glu722Ter)

Gene: FANCI (FA complementation group I; plus strand). Cytogenetic location: 15q26.1.
Variant type: single nucleotide variant.
Coding change: c.2164G>T on transcript NM_001113378.2 (MANE Select); coding-DNA position 2164, G replaced by T.
Protein change: p.Glu722Ter; replaces glutamic acid 722 with a stop codon.
Molecular consequence: nonsense.
Genome position (GRCh38, 1-based): chr15:89,292,859, G>T. VCF-style: chr15-89292859-G-T. GRCh37 (hg19) VCF-style: chr15-89836090-G-T.
Other names: c.1885G>T, p.Glu629Ter (NM_001376910.1); c.2164G>T, p.Glu722Ter (NM_001376911.1, NM_018193.3); short protein forms E629*, E722*.
Identifiers: ClinVar variation 3617097 (VCV003617097.2).